The following is an entry in ClinVar:

NM_183357.3(ADCY5):c.2632G>T (p.Ala878Ser)

Gene: ADCY5 (adenylate cyclase 5; minus strand). Cytogenetic location: 3q21.1.
Variant type: single nucleotide variant.
Coding change: c.2632G>T on transcript NM_183357.3 (MANE Select); coding-DNA position 2632, G replaced by T.
Protein change: p.Ala878Ser; replaces alanine 878 with serine.
Molecular consequence: missense variant.
Genome position (GRCh38, 1-based): chr3:123,303,147, C>A on the plus strand (G>T on the coding strand, the complement: ADCY5 is on the minus strand). VCF-style: chr3-123303147-C-A. GRCh37 (hg19) VCF-style: chr3-123021994-C-A.
Other names: c.1582G>T, p.Ala528Ser (NM_001199642.1); c.2632G>T, p.Ala878Ser (NM_001378259.1); short protein forms A878S, A528S.
Identifiers: ClinVar variation 493368 (VCV000493368.47), dbSNP rs146316902, ClinGen allele CA2577043.

ClinVar aggregate classification (germline): Conflicting classifications of pathogenicity. Review status: criteria provided, conflicting classifications (1 of 4 stars). 2 submissions from 2 submitters: Uncertain significance (1); Likely benign (1). Last evaluated 2025-09-01.

Allele frequency attached by ClinVar (database versions not stated): gnomAD 0.00003; TOPMed 0.00006; ESP Exome Variant Server 0.00008.
gnomAD v4.1: 72 of 1,613,790 alleles (0.0045%); highest among the groups gnomAD compares: Non-Finnish European, 0.0054%; no homozygotes.

Submissions (2):

CeGaT Center for Human Genetics Tuebingen
Classification: Uncertain significance. Last evaluated: 2025-09-01. Review status: criteria provided, single submitter. Criteria: CeGaT Center For Human Genetics Tuebingen Variant Classification Criteria Version 2. Collection method: clinical testing. Allele origin: germline. Affected: yes. Observed: 2 variant alleles.
Comment: ADCY5: PM2, BP4

Labcorp Genetics (formerly Invitae), Labcorp
Classification: Likely benign. Last evaluated: 2024-10-06. Review status: criteria provided, single submitter. Criteria: Invitae Variant Classification Sherloc (09022015). Collection method: clinical testing. Allele origin: germline.